The following is an entry in ClinVar:

NM_005359.6(SMAD4):c.220A>G (p.Ile74Val)

Gene: SMAD4 (SMAD family member 4; plus strand). Cytogenetic location: 18q21.2.
Variant type: single nucleotide variant.
Coding change: c.220A>G on transcript NM_005359.6 (MANE Select); coding-DNA position 220, A replaced by G.
Protein change: p.Ile74Val; replaces isoleucine 74 with valine.
Molecular consequence: missense variant.
Genome position (GRCh38, 1-based): chr18:51,047,266, A>G. VCF-style: chr18-51047266-A-G. GRCh37 (hg19) VCF-style: chr18-48573636-A-G.
Other names: c.220A>G, p.Ile74Val (NM_001407041.1, NM_001407042.1, NM_001407043.1); short protein forms I74V.
Identifiers: ClinVar variation 1787735 (VCV001787735.4), dbSNP rs772506979, ClinGen allele CA8965735.

ClinVar aggregate classification (germline): Uncertain significance. Review status: criteria provided, multiple submitters, no conflicts (2 of 4 stars). 3 submissions from 3 submitters: Uncertain significance (3). Last evaluated 2025-10-28.

Conditions:
Hereditary cancer-predisposing syndrome. Also called: Hereditary neoplastic syndrome; Neoplastic Syndromes, Hereditary; Tumor predisposition; Hereditary Cancer Syndrome. Identifiers: Orphanet 140162, MedGen C0027672, MeSH D009386, MONDO:0015356.
Familial thoracic aortic aneurysm and aortic dissection (TAAD). Also called: Thoracic aortic aneurysms and dissections. Identifiers: Orphanet 91387, MedGen C4707243, MONDO:0019625.
Juvenile polyposis/hereditary hemorrhagic telangiectasia syndrome (JPHT). Also called: JP/HHT SYNDROME; JUVENILE POLYPOSIS WITH HEREDITARY HEMORRHAGIC TELANGIECTASIA; POLYPOSIS, GENERALIZED JUVENILE, WITH PULMONARY ARTERIOVENOUS MALFORMATION; TELANGIECTASIA, HEREDITARY HEMORRHAGIC, WITH JUVENILE POLYPOSIS COLI; Juvenile Polyposis Syndrome / Hereditary Hemorrhagic Telangiectasia (JPS/HHT). Identifiers: Orphanet 2929, MedGen C1832942, MONDO:0008278, OMIM 175050.

Allele frequency attached by ClinVar (database versions not stated): ExAC 0.00001.
gnomAD v4.1: 1 of 1,613,956 alleles (0.000062%); highest among the groups gnomAD compares: Non-Finnish European, 0.000085%; no homozygotes.

Submissions (3):

Color Diagnostics, LLC DBA Color Health
Classification: Uncertain significance for Hereditary cancer-predisposing syndrome. Last evaluated: 2025-10-28. Review status: criteria provided, single submitter. Criteria: ACMG Guidelines, 2015. Collection method: clinical testing. Allele origin: germline.
Comment: This missense variant replaces isoleucine with valine at codon 74 of the SMAD4 protein. Computational prediction is inconclusive regarding the impact of this variant on protein structure and function. To our knowledge, functional studies have not been reported for this variant. This variant has not been reported in individuals affected with SMAD4-related disorders in the literature. This variant has been identified in 1/1461600 chromosomes in the general population by the Genome Aggregation Database (gnomAD). The available evidence is insufficient to determine the role of this variant in disease conclusively. Therefore, this variant is classified as a Variant of Uncertain Significance.

All of Us Research Program, National Institutes of Health
Classification: Uncertain significance for Juvenile polyposis/hereditary hemorrhagic telangiectasia syndrome. Last evaluated: 2023-03-07. Review status: criteria provided, single submitter. Criteria: ACMG Guidelines, 2015. Collection method: clinical testing. Allele origin: germline. Inheritance: Autosomal dominant inheritance. Observed: 1 variant allele, 1 heterozygote.
Comment: This missense variant replaces isoleucine with valine at codon 74 of the SMAD4 protein. Computational prediction is inconclusive regarding the impact of this variant on protein structure and function (internally defined REVEL score threshold 0.5 < inconclusive < 0.7, PMID: 27666373). To our knowledge, functional studies have not been reported for this variant. This variant has not been reported in individuals affected with SMAD4-related disorders in the literature. This variant has been identified in 1/251074 chromosomes in the general population by the Genome Aggregation Database (gnomAD). The available evidence is insufficient to determine the role of this variant in disease conclusively. Therefore, this variant is classified as a Variant of Uncertain Significance.

This study involves interpretation of variants in research participants for the purpose of population health screening. Participant phenotype was not available at the time of variant classification. Additional details can be found in publication PMID: 35346344, PMCID: PMC8962531

Ambry Genetics
Classification: Uncertain significance for Hereditary cancer-predisposing syndrome; Familial thoracic aortic aneurysm and aortic dissection. Last evaluated: 2022-08-26. Review status: criteria provided, single submitter. Criteria: Ambry Variant Classification Scheme 2023. Collection method: clinical testing. Allele origin: germline.
Comment: The p.I74V variant (also known as c.220A>G), located in coding exon 1 of the SMAD4 gene, results from an A to G substitution at nucleotide position 220. The isoleucine at codon 74 is replaced by valine, an amino acid with highly similar properties. This amino acid position is highly conserved in available vertebrate species. In addition, the in silico prediction for this alteration is inconclusive. Since supporting evidence is limited at this time, the clinical significance of this alteration remains unclear.